The following is an entry in ClinVar:

ClinVar aggregate classification (germline): Uncertain significance (1 of 4 stars; one submission).

Conditions:
Primary dilated cardiomyopathy (DCM). Also called: Dilated Cardiomyopathy. Identifiers: Orphanet 217604, MedGen C0007193, MeSH D002311, MONDO:0005021, HP:0001644. Inheritance: Various modes of inheritance.

Submission:

Labcorp Genetics (formerly Invitae), Labcorp
Classification: Uncertain significance for Primary dilated cardiomyopathy. Last evaluated: 2025-02-25. Review status: criteria provided, single submitter. Criteria: Invitae Variant Classification Sherloc (09022015). Collection method: clinical testing. Allele origin: germline.
Comment: This sequence change replaces glutamine, which is neutral and polar, with leucine, which is neutral and non-polar, at codon 862 of the NEBL protein (p.Gln862Leu). This variant is not present in population databases (gnomAD no frequency). This variant has not been reported in the literature in individuals affected with NEBL-related conditions. An algorithm developed to predict the effect of missense changes on protein structure and function (PolyPhen-2) suggests that this variant is likely to be disruptive. In summary, the available evidence is currently insufficient to determine the role of this variant in disease. Therefore, it has been classified as a Variant of Uncertain Significance.

NM_006393.3(NEBL):c.2585A>T (p.Gln862Leu)

Gene: NEBL (nebulette; minus strand). Cytogenetic location: 10p12.31.
Variant type: single nucleotide variant.
Coding change: c.2585A>T on transcript NM_006393.3 (MANE Select); coding-DNA position 2585, A replaced by T.
Protein change: p.Gln862Leu; replaces glutamine 862 with leucine.
Molecular consequence: missense variant. On other transcripts: intron variant (8).
Genome position (GRCh38, 1-based): chr10:20,809,832, T>A on the plus strand (A>T on the coding strand, the complement: NEBL is on the minus strand). VCF-style: chr10-20809832-T-A. GRCh37 (hg19) VCF-style: chr10-21098761-T-A.
Other names: c.596A>T, p.Gln199Leu (NM_001377322.1); c.421+2937A>T (NM_001377326.1, NM_001377327.1, NM_001377328.1); c.529+2937A>T (NM_213569.2, NM_001173484.2); c.472+2937A>T (NM_001377324.1); c.463+2937A>T (NM_001377325.1); c.481+2937A>T (NM_001377323.1); short protein forms Q199L, Q862L.
Identifiers: ClinVar variation 4774367 (VCV004774367.1).
Genomic context (GRCh38, chr10:20,809,832, plus strand): 5'-ACATAAATGGGATGAACTAAAAAGTGAGTAATACCAGAGAGCATATGGAGACTTCTAGAC[T>A]GAATATTGTCTTCCAGGGGATCAAGGTCGAAGATGGAGCCAGGATCTGTGCGCCAAACTT-3'
Protein context (NP_006384.1, residues 852-872): FDLDPLEDNI[Gln862Leu]SRSLHMLSEK